The following is an entry in ClinVar:

NM_138386.3(NAF1):c.469GAT[2] (p.Asp159del)

Gene: NAF1 (nuclear assembly factor 1 ribonucleoprotein; minus strand). Cytogenetic location: 4q32.2.
Variant type: Microsatellite.
Coding change: c.469GAT[2] on transcript NM_138386.3 (MANE Select); two copies in a row of the 3-base unit GAT starting at c.469; the reference has three copies in a row; one copy, 3 bases deleted.
Protein change: p.Asp159del; deletes aspartic acid 159.
Molecular consequence: inframe deletion.
Genome position (GRCh38, 1-based): chr4:163,164,280-163,164,282, ATC deleted on the plus strand (GAT on the coding strand, the reverse complement: NAF1 is on the minus strand); deleting any 3 consecutive bases within chr4:163,164,280-163,164,288 gives the same sequence; the position shown is the placement nearest the transcript's 3' end. VCF-style (leftmost placement, unchanged base first): chr4-163164279-AATC-A. GRCh37 (hg19) VCF-style: chr4-164085431-AATC-A.
Other names: c.469GAT[2], p.Asp159del (NM_001128931.2); short protein forms D159del.
Identifiers: ClinVar variation 4694074 (VCV004694074.1).

ClinVar aggregate classification (germline): Uncertain significance (1 of 4 stars; one submission).

Submission:

Labcorp Genetics (formerly Invitae), Labcorp
Classification: Uncertain significance. Last evaluated: 2025-12-01. Review status: criteria provided, single submitter. Criteria: Invitae Variant Classification Sherloc (09022015). Collection method: clinical testing. Allele origin: germline.
Comment: This variant, c.475_477del, results in the deletion of 1 amino acid(s) of the NAF1 protein (p.Asp159del), but otherwise preserves the integrity of the reading frame. This variant is present in population databases (no rsID available, gnomAD 0.004%). This variant has not been reported in the literature in individuals affected with NAF1-related conditions. Experimental studies and prediction algorithms are not available or were not evaluated, and the functional significance of this variant is currently unknown. In summary, the available evidence is currently insufficient to determine the role of this variant in disease. Therefore, it has been classified as a Variant of Uncertain Significance.